The following is an entry in ClinVar:

ClinVar aggregate classification (germline): Likely benign (0 of 4 stars; one submission).

Conditions:
GLI1-related disorder. Also called: GLI1-related condition.

Allele frequency attached by ClinVar (database versions not stated): gnomAD 0.00001; TOPMed 0.00001.
gnomAD v4.1: 1 of 1,613,990 alleles (0.000062%); highest among the groups gnomAD compares: Non-Finnish European, 0.000085%; no homozygotes.

Submission:

PreventionGenetics, part of Exact Sciences
Classification: Likely benign for GLI1-related condition. Last evaluated: 2019-08-12. Review status: no assertion criteria provided. Collection method: clinical testing. Allele origin: germline.
Comment: This variant is classified as likely benign based on ACMG/AMP sequence variant interpretation guidelines (Richards et al. 2015 PMID: 25741868, with internal and published modifications).

NM_005269.3(GLI1):c.1689T>C (p.Ser563=)

Gene: GLI1 (GLI family zinc finger 1; plus strand). Cytogenetic location: 12q13.3.
Variant type: single nucleotide variant.
Coding change: c.1689T>C on transcript NM_005269.3 (MANE Select); coding-DNA position 1689, T replaced by C.
Protein change: p.Ser563=; no amino-acid change (serine 563 retained).
Molecular consequence: synonymous variant.
Genome position (GRCh38, 1-based): chr12:57,470,429, T>C. VCF-style: chr12-57470429-T-C. GRCh37 (hg19) VCF-style: chr12-57864212-T-C.
Other names: c.1305T>C, p.Ser435= (NM_001160045.2); c.1566T>C, p.Ser522= (NM_001167609.2).
Identifiers: ClinVar variation 3035190 (VCV003035190.2), dbSNP rs1871801209, ClinGen allele CA480392982.